The following is an entry in ClinVar:

NM_207361.6(FREM2):c.8509C>T (p.Pro2837Ser)

Gene: FREM2 (FRAS1 related extracellular matrix 2; plus strand). Cytogenetic location: 13q13.3.
Variant type: single nucleotide variant.
Coding change: c.8509C>T on transcript NM_207361.6 (MANE Select); coding-DNA position 8509, C replaced by T.
Protein change: p.Pro2837Ser; replaces proline 2837 with serine.
Molecular consequence: missense variant.
Genome position (GRCh38, 1-based): chr13:38,876,347, C>T. VCF-style: chr13-38876347-C-T. GRCh37 (hg19) VCF-style: chr13-39450484-C-T.
Other names: c.8509C>T (NM_207361.5); short protein forms P2837S.
Identifiers: ClinVar variation 312031 (VCV000312031.12), dbSNP rs766715445, ClinGen allele CA6956151.

ClinVar aggregate classification (germline): Conflicting classifications of pathogenicity. Review status: criteria provided, conflicting classifications (1 of 4 stars). 5 submissions from 5 submitters: Uncertain significance (2); Likely benign (1). 2 of the submissions do not count toward it. Last evaluated 2025-12-30.

Conditions:
FREM2-related disorder. Also called: FREM2-related condition.
Fraser syndrome 2 (FRASRS2). Identifiers: MedGen C4540036, MONDO:0054738, OMIM 617666.
Isolated cryptophthalmia. Also called: Cryptophthalmos, unilateral or bilateral, isolated; ANKYLOBLEPHARON, SIMPLE. Identifiers: Orphanet 91396, MedGen C1852453, MONDO:0007410, OMIM 123570.

Allele frequency attached by ClinVar (database versions not stated): gnomAD 0.00004; gnomAD exomes 0.00005 and 0.00013; ExAC 0.00007; TOPMed 0.00007.
gnomAD v4.1: 82 of 1,613,808 alleles (0.0051%); highest among the groups gnomAD compares: Admixed American, 0.0017%; no homozygotes.

Submissions (5):

Labcorp Genetics (formerly Invitae), Labcorp
Classification: Likely benign. Last evaluated: 2025-12-30. Review status: criteria provided, single submitter. Criteria: Invitae Variant Classification Sherloc (09022015). Collection method: clinical testing. Allele origin: germline.

Fulgent Genetics
Classification: Uncertain significance for Isolated cryptophthalmia; Fraser syndrome 2. Last evaluated: 2022-01-14. Review status: criteria provided, single submitter. Criteria: ACMG Guidelines, 2015. Collection method: clinical testing. Allele origin: unknown.

Illumina Laboratory Services, Illumina
Classification: Uncertain significance for Fraser syndrome 2. Last evaluated: 2018-01-12. Review status: criteria provided, single submitter. Criteria: ICSL Variant Classification Criteria 13 December 2019. Collection method: clinical testing. Allele origin: germline.

PreventionGenetics, part of Exact Sciences
Classification: Likely benign for FREM2-related condition. Last evaluated: 2022-12-10. Review status: no assertion criteria provided. Collection method: clinical testing. Allele origin: germline. Not counted in ClinVar's aggregate classification.
Comment: This variant is classified as likely benign based on ACMG/AMP sequence variant interpretation guidelines (Richards et al. 2015 PMID: 25741868, with internal and published modifications).

Department of Pathology and Laboratory Medicine, Sinai Health System
Classification: Uncertain significance. Review status: no assertion criteria provided. Collection method: clinical testing. Allele origin: unknown. Affected: yes. Study: The Canadian Open Genetics Repository (COGR). Not counted in ClinVar's aggregate classification.
Comment: The FREM2 p.Pro2837Ser variant was not identified in the literature nor was it identified in Cosmic or LOVD 3.0. The variant was identified in dbSNP (ID: rs766715445) and in ClinVar (classified as a VUS by Illumina Clinical Services Laboratories for Cryptophthalmos syndrome). The variant was also found in 34 of 282696 chromosomes at a frequency of 0.00012 (Genome Aggregation Database Feb 27, 2017). The variant was observed in the following populations: Ashkenazi Jewish in 29 of 10364 chromosomes (freq: 0.002798), African in 1 of 24964 chromosomes (freq: 0.00004), Latino in 1 of 35436 chromosomes (freq: 0.000028) and European (non-Finnish) in 3 of 129030 chromosomes (freq: 0.000023); it was not observed in the East Asian, European (Finnish), Other and South Asian populations. The variant occurs outside of the splicing consensus sequence and in silico or computational prediction software programs (SpliceSiteFinder, MaxEntScan, NNSPLICE, GeneSplicer) do not predict a difference in splicing. The p.Pro2837 residue is conserved in mammals and 4 of 5 computational analyses (PolyPhen-2, SIFT, BLOSUM, MutationTaster) suggest that the variant may impact the protein. In summary, based on the above information the clinical significance of this variant cannot be determined with certainty at this time. This variant is classified as a variant of uncertain significance.